The following is an entry in ClinVar:

ClinVar aggregate classification (germline): Uncertain significance (1 of 4 stars; one submission).

Conditions:
Neurodevelopmental disorder with hypotonia, stereotypic hand movements, and impaired language. Also called: Intellectual disability, autosomal dominant 20. Identifiers: Orphanet 228384, Orphanet 664410, MedGen C3150700, MONDO:0013266, OMIM 613443.

Submission:

Dasa
Classification: Uncertain significance for Neurodevelopmental disorder with hypotonia, stereotypic hand movements, and impaired language. Last evaluated: 2025-11-12. Review status: criteria provided, single submitter. Criteria: DASA Assertion Criteria. Collection method: clinical testing. Allele origin: germline.
Comment: NM_002397.5(MEF2C):c.31A>G (p.Ile11Val) is a missense variant that results in the substitution of isoleucine with valine. The affected residue or protein region has prior evidence supporting clinical relevance. This variant is absent from population databases. Computational prediction algorithms are consistent with a deleterious effect. The currently available literature and clinical evidence are not sufficient to establish a definitive association between this variant and the reported condition. Therefore, this variant is classified as a variant of uncertain significance.

NM_002397.5(MEF2C):c.31A>G (p.Ile11Val)

Gene: MEF2C (myocyte enhancer factor 2C; minus strand). Cytogenetic location: 5q14.3.
Variant type: single nucleotide variant.
Coding change: c.31A>G on transcript NM_002397.5 (MANE Select); coding-DNA position 31, A replaced by G.
Protein change: p.Ile11Val; replaces isoleucine 11 with valine.
Molecular consequence: missense variant.
Genome position (GRCh38, 1-based): chr5:88,823,758, T>C on the plus strand (A>G on the coding strand, the complement: MEF2C is on the minus strand). VCF-style: chr5-88823758-T-C. GRCh37 (hg19) VCF-style: chr5-88119575-T-C.
Other names: c.31A>G, p.Ile11Val (NM_001131005.2, NM_001193347.1, NM_001193348.1 and 29 more transcripts); short protein forms I11V.
Identifiers: ClinVar variation 4881072 (VCV004881072.2).